The following is an entry in ClinVar:

ClinVar aggregate classification (germline): Benign/Likely benign. Review status: criteria provided, multiple submitters, no conflicts (2 of 4 stars). 7 submissions from 5 submitters: Benign (4); Likely benign (1). 2 of the submissions do not count toward it. Last evaluated 2021-07-29.

Conditions:
Pallister-Hall syndrome (PHS). Also called: HYPOTHALAMIC HAMARTOBLASTOMA, HYPOPITUITARISM, IMPERFORATE ANUS, AND POSTAXIAL POLYDACTYLY; GLI3-Related Pallister-Hall Syndrome. Identifiers: Orphanet 672, MedGen C0265220, MONDO:0007804, OMIM 146510.
Polysyndactyly 4. Also called: Polysyndactyly uncomplicated; Preaxial polydactyly 4. Identifiers: Orphanet 93338, MedGen C1868111, MONDO:0008272, OMIM 174700.
Polydactyly, postaxial, type A1. Identifiers: MedGen C4282400, MONDO:0008266, OMIM 174200.
Greig cephalopolysyndactyly syndrome (GCPS). Also called: POLYSYNDACTYLY WITH PECULIAR SKULL SHAPE; Greig syndrome; GLI3-Related Greig Cephalopolysyndactyly Syndrome. Identifiers: Orphanet 380, MedGen C0265306, MONDO:0008287, OMIM 175700.
Polydactyly. Also called: polydactylism. Identifiers: MedGen C0152427, MONDO:0021003, OMIM 603596, HP:0010442.

Allele frequency attached by ClinVar (database versions not stated): 1000 Genomes Project 0.03035; gnomAD 0.03075 and 0.03314; 1000 Genomes Project 30x 0.03342; TOPMed 0.03469.
gnomAD v4.1: 9,373 of 1,478,754 alleles (0.63%); highest among the groups gnomAD compares: African/African-American, 11%; 421 homozygotes.

Submissions (7):

Fulgent Genetics
Classification: Likely benign for Pallister-Hall syndrome; Polydactyly, postaxial, type A1; Polysyndactyly 4; Greig cephalopolysyndactyly syndrome. Last evaluated: 2021-07-29. Review status: criteria provided, single submitter. Criteria: ACMG Guidelines, 2015. Collection method: clinical testing. Allele origin: unknown.

Illumina Laboratory Services, Illumina
Classification: Benign for Polydactyly. Last evaluated: 2018-01-12. Review status: criteria provided, single submitter. Criteria: ICSL Variant Classification Criteria 13 December 2019. Collection method: clinical testing. Allele origin: germline.
Comment: This variant was observed in the ICSL laboratory as part of a predisposition screen in an ostensibly healthy population. It had not been previously curated by ICSL or reported in the Human Gene Mutation Database (HGMD: prior to June 1st, 2018), and was therefore a candidate for classification through an automated scoring system. Utilizing variant allele frequency, disease prevalence and penetrance estimates, and inheritance mode, an automated score was calculated to assess if this variant is too frequent to cause the disease. Based on the score and internal cut-off values, a variant classified as benign is not then subjected to further curation. The score for this variant resulted in a classification of benign for this disease.

Illumina Laboratory Services, Illumina
Classification: Benign for Pallister-Hall syndrome. Last evaluated: 2018-01-12. Review status: criteria provided, single submitter. Criteria: ICSL Variant Classification Criteria 13 December 2019. Collection method: clinical testing. Allele origin: germline.
Comment: the same text as in the submission from Illumina Laboratory Services, Illumina above.

Illumina Laboratory Services, Illumina
Classification: Benign for Greig cephalopolysyndactyly syndrome. Last evaluated: 2018-01-12. Review status: criteria provided, single submitter. Criteria: ICSL Variant Classification Criteria 13 December 2019. Collection method: clinical testing. Allele origin: germline.
Comment: the same text as in the submission from Illumina Laboratory Services, Illumina above.

GeneDx
Classification: Benign. Last evaluated: 2015-03-03. Review status: criteria provided, single submitter. Criteria: GeneDx Variant Classification Process June 2021. Collection method: clinical testing. Allele origin: germline. Affected: yes.

Clinical Genetics DNA and cytogenetics Diagnostics Lab, Erasmus MC, Erasmus Medical Center
Classification: Benign. Review status: no assertion criteria provided. Collection method: clinical testing. Allele origin: germline. Affected: yes. Study: VKGL Data-share Consensus. Not counted in ClinVar's aggregate classification.

Genome Diagnostics Laboratory, University Medical Center Utrecht
Classification: Benign. Review status: no assertion criteria provided. Collection method: clinical testing. Allele origin: germline. Affected: yes. Study: VKGL Data-share Consensus. Not counted in ClinVar's aggregate classification.

NM_000168.6(GLI3):c.-42-11G>C

Gene: GLI3 (GLI family zinc finger 3; minus strand). Cytogenetic location: 7p14.1.
Variant type: single nucleotide variant.
Coding change: c.-42-11G>C on transcript NM_000168.6 (MANE Select); 11 bases into the intron before 42 bases upstream of the start codon, G replaced by C.
Molecular consequence: intron variant.
Genome position (GRCh38, 1-based): chr7:42,223,306, C>G on the plus strand (G>C on the coding strand, the complement: GLI3 is on the minus strand). VCF-style: chr7-42223306-C-G. GRCh37 (hg19) VCF-style: chr7-42262905-C-G.
Identifiers: ClinVar variation 360264 (VCV000360264.9), dbSNP rs80019165, ClinGen allele CA10629212.